The following is an entry in ClinVar:

NM_001215.4(CA6):c.844+13G>A

Gene: CA6 (carbonic anhydrase 6; plus strand). Cytogenetic location: 1p36.23.
Variant type: single nucleotide variant.
Coding change: c.844+13G>A on transcript NM_001215.4 (MANE Select); 13 bases into the intron after coding-DNA position 844, G replaced by A.
Molecular consequence: intron variant.
Genome position (GRCh38, 1-based): chr1:8,970,994, G>A. VCF-style: chr1-8970994-G-A. GRCh37 (hg19) VCF-style: chr1-9031053-G-A.
Other names: c.664+13G>A (NM_001270501.2); c.460+13G>A (NM_001270502.2); c.844+13G>A (NM_001270500.2).
Identifiers: ClinVar variation 3770630 (VCV003770630.13).

ClinVar aggregate classification (germline): Likely benign (1 of 4 stars; one submission).

gnomAD v4.1: 5,802 of 1,523,670 alleles (0.38%); highest among the groups gnomAD compares: Admixed American, 0.53%; 24 homozygotes.

Submission:

CeGaT Center for Human Genetics Tuebingen
Classification: Likely benign. Last evaluated: 2025-02-01. Review status: criteria provided, single submitter. Criteria: CeGaT Center For Human Genetics Tuebingen Variant Classification Criteria Version 2. Collection method: clinical testing. Allele origin: germline. Affected: yes. Observed: 1 variant allele.
Comment: ENSG00000290109: BS2